The following is an entry in ClinVar:

NM_020631.6(PLEKHG5):c.547G>A (p.Glu183Lys)

Gene: PLEKHG5 (pleckstrin homology and RhoGEF domain containing G5; minus strand). Cytogenetic location: 1p36.31.
Variant type: single nucleotide variant.
Coding change: c.547G>A on transcript NM_020631.6 (MANE Select); coding-DNA position 547, G replaced by A.
Protein change: p.Glu183Lys; replaces glutamic acid 183 with lysine.
Molecular consequence: missense variant.
Genome position (GRCh38, 1-based): chr1:6,474,057, C>T on the plus strand (G>A on the coding strand, the complement: PLEKHG5 is on the minus strand). VCF-style: chr1-6474057-C-T. GRCh37 (hg19) VCF-style: chr1-6534117-C-T.
Other names: c.658G>A, p.Glu220Lys (NM_001042663.3, NM_001265592.2); c.547G>A, p.Glu183Lys (NM_001042664.2, NM_001042665.2, NM_001265594.3 and 1 more transcripts); c.754G>A, p.Glu252Lys (NM_001265593.2); short protein forms E183K, E252K, E220K.
Identifiers: ClinVar variation 297970 (VCV000297970.9), dbSNP rs886046502, ClinGen allele CA10610281.

ClinVar aggregate classification (germline): Uncertain significance. Review status: criteria provided, multiple submitters, no conflicts (2 of 4 stars). 2 submissions from 2 submitters: Uncertain significance (2). Last evaluated 2022-05-28.

Conditions:
Charcot-Marie-Tooth disease recessive intermediate C. Also called: CHARCOT-MARIE-TOOTH NEUROPATHY, RECESSIVE INTERMEDIATE C. Identifiers: Orphanet 369867, MedGen C3809309, MONDO:0014154, OMIM 615376.
Neuronopathy, distal hereditary motor, autosomal recessive 4. Also called: Autosomal recessive lower motor neuron disease with childhood onset; NEUROPATHY, DISTAL HEREDITARY MOTOR, AUTOSOMAL RECESSIVE 4. Identifiers: Orphanet 206580, MedGen C1970211, MONDO:0012608, OMIM 611067.

Allele frequency attached by ClinVar (database versions not stated): gnomAD exomes below 0.00001.
gnomAD v4.1: 3 of 1,611,870 alleles (0.00019%); highest among the groups gnomAD compares: South Asian, 0.0011%; no homozygotes.

Submissions (2):

Labcorp Genetics (formerly Invitae), Labcorp
Classification: Uncertain significance for Neuronopathy, distal hereditary motor, autosomal recessive 4; Charcot-Marie-Tooth disease recessive intermediate C. Last evaluated: 2022-05-28. Review status: criteria provided, single submitter. Criteria: Invitae Variant Classification Sherloc (09022015). Collection method: clinical testing. Allele origin: germline.
Comment: In summary, the available evidence is currently insufficient to determine the role of this variant in disease. Therefore, it has been classified as a Variant of Uncertain Significance. Algorithms developed to predict the effect of missense changes on protein structure and function are either unavailable or do not agree on the potential impact of this missense change (SIFT: "Deleterious"; PolyPhen-2: "Benign"; Align-GVGD: "Class C0"). ClinVar contains an entry for this variant (Variation ID: 297970). This variant has not been reported in the literature in individuals affected with PLEKHG5-related conditions. This variant is not present in population databases (gnomAD no frequency). This sequence change replaces glutamic acid, which is acidic and polar, with lysine, which is basic and polar, at codon 183 of the PLEKHG5 protein (p.Glu183Lys).

Illumina Laboratory Services, Illumina
Classification: Uncertain significance for Neuronopathy, distal hereditary motor, autosomal recessive 4. Last evaluated: 2018-01-13. Review status: criteria provided, single submitter. Criteria: ICSL Variant Classification Criteria 13 December 2019. Collection method: clinical testing. Allele origin: germline.